The following is an entry in ClinVar:

NM_001103.4(ACTN2):c.2082G>C (p.Lys694Asn)

Gene: ACTN2 (actinin alpha 2; plus strand). Cytogenetic location: 1q43.
Variant type: single nucleotide variant.
Coding change: c.2082G>C on transcript NM_001103.4 (MANE Select); coding-DNA position 2082, G replaced by C.
Protein change: p.Lys694Asn; replaces lysine 694 with asparagine.
Molecular consequence: missense variant.
Genome position (GRCh38, 1-based): chr1:236,755,126, G>C. VCF-style: chr1-236755126-G-C. GRCh37 (hg19) VCF-style: chr1-236918426-G-C.
Other names: c.2082G>C, p.Lys694Asn (NM_001278343.2); c.1458G>C, p.Lys486Asn (NM_001278344.2); short protein forms K694N, K486N.
Identifiers: ClinVar variation 238298 (VCV000238298.14), dbSNP rs748034053, ClinGen allele CA1473340.

ClinVar aggregate classification (germline): Conflicting classifications of pathogenicity. Review status: criteria provided, conflicting classifications (1 of 4 stars). 4 submissions from 4 submitters: Uncertain significance (1); Likely benign (2). 1 of the submissions does not count toward it. Last evaluated 2026-01-26.

Conditions:
Cardiovascular phenotype. Identifiers: MedGen CN230736.
Dilated cardiomyopathy 1AA (CMD1AA). Also called: CARDIOMYOPATHY, DILATED, 1AA, WITH OR WITHOUT LEFT VENTRICULAR NONCOMPACTION; CARDIOMYOPATHY, FAMILIAL HYPERTROPHIC, 23, WITH OR WITHOUT LEFT VENTRICULAR NONCOMPACTION; Cardiomyopathy, dilated, 1AA, with or without LVNC. Identifiers: Orphanet 154, MedGen C2677338, MONDO:0012808, OMIM 612158.
Primary familial hypertrophic cardiomyopathy (HCM). Identifiers: Orphanet 99739, MedGen C0949658, MeSH D024741, MONDO:0024573. Inheritance: Various modes of inheritance.
Hypertrophic cardiomyopathy. Also called: HYPERTROPHIC MYOCARDIOPATHY. Identifiers: Orphanet 217569, MedGen C0007194, MeSH D002312, MONDO:0005045, HP:0001639.

Allele frequency attached by ClinVar (database versions not stated): gnomAD 0.00001; TOPMed 0.00002; ExAC 0.00003; gnomAD exomes 0.00003.
gnomAD v4.1: 47 of 1,614,094 alleles (0.0029%); highest among the groups gnomAD compares: Middle Eastern, 0.082%; no homozygotes.

Submissions (4):

Labcorp Genetics (formerly Invitae), Labcorp
Classification: Likely benign for Primary familial hypertrophic cardiomyopathy; Dilated cardiomyopathy 1AA. Last evaluated: 2026-01-26. Review status: criteria provided, single submitter. Criteria: Invitae Variant Classification Sherloc (09022015). Collection method: clinical testing. Allele origin: germline.

GeneDx
Classification: Uncertain significance. Last evaluated: 2025-05-23. Review status: criteria provided, single submitter. Criteria: GeneDx Variant Classification Process June 2021. Collection method: clinical testing. Allele origin: germline. Affected: yes.
Comment: In silico analysis suggests that this missense variant does not alter protein structure/function; Has not been previously published as pathogenic or benign to our knowledge

Ambry Genetics
Classification: Likely benign for Cardiovascular phenotype. Last evaluated: 2023-10-31. Review status: criteria provided, single submitter. Criteria: Ambry Variant Classification Scheme 2023. Collection method: clinical testing. Allele origin: germline.

Zaffran Lab, Genetics of Cardiac Diseases Laboratory, Marseille Medical Genetics
Classification: Uncertain significance for hypertrophic cardiomyopathy. Review status: no assertion criteria provided. Collection method: research. Allele origin: unknown. Affected: yes. Not counted in ClinVar's aggregate classification.